The following is an entry in ClinVar:

ClinVar aggregate classification (germline): Uncertain significance (1 of 4 stars; one submission).

Conditions:
Epilepsy, idiopathic generalized, susceptibility to, 9. Identifiers: Orphanet 307, MedGen C2750887, MONDO:0011892, OMIM 607682.

gnomAD v4.1: 1 of 1,613,882 alleles (0.000062%); highest among the groups gnomAD compares: Non-Finnish European, 0.000085%; no homozygotes.

Submission:

Breda Genetics srl
Classification: Uncertain significance for Epilepsy, idiopathic generalized, susceptibility to, 9. Last evaluated: 2021-06-23. Review status: criteria provided, single submitter. Criteria: ACMG Guidelines, 2015. Collection method: clinical testing. Allele origin: germline. Inheritance: Autosomal dominant inheritance. Affected: yes. Observed: 1 variant allele, 1 heterozygote.
Comment: The variant c.669G>A (p.Val223Val) in the CACNB4 gene has not been reported in the dbSNP, gnomAD, or ClinVar databases, and causes a synonymous variant, that does not introduce changes in the amino acid sequence. In silico analysis indicates a possible alteration of the splicing process due to the activation of a cryptic donor site (HSF Pro). The NM_000726 transcript represents the transcript that codes for the longest isoform and, in accordance with the data of the GTEx v.7 project, is the most expressed transcript in 53 different human tissue samples. However, in countless other isoforms this nucleotide change causes a missense variant that introduces an isoleucine residue in place of a valine with variable in silico predictions depending on the transcript considered.

NM_000726.5(CACNB4):c.669G>A (p.Val223=)

Gene: CACNB4 (calcium voltage-gated channel auxiliary subunit beta 4; minus strand). Cytogenetic location: 2q23.3.
Variant type: single nucleotide variant.
Coding change: c.669G>A on transcript NM_000726.5 (MANE Select); coding-DNA position 669, G replaced by A.
Protein change: p.Val223=; no amino-acid change (valine 223 retained).
Molecular consequence: synonymous variant. On other transcripts: missense variant (3).
Genome position (GRCh38, 1-based): chr2:151,870,561, C>T on the plus strand (G>A on the coding strand, the complement: CACNB4 is on the minus strand). VCF-style: chr2-151870561-C-T. GRCh37 (hg19) VCF-style: chr2-152727075-C-T.
Other names: c.669G>A, p.Val223= (NM_001145798.3); c.528G>A, p.Val176= (NM_001320722.3, NM_001330118.2); c.595G>A, p.Val199Ile (NM_001330113.2); c.15G>A, p.Val5= (NM_001330114.2); c.547G>A, p.Val183Ile (NM_001330115.2); c.508G>A, p.Val170Ile (NM_001330116.2); c.111G>A, p.Val37= (NM_001330117.2); c.615G>A, p.Val205= (NM_001005746.4); and 1 more; short protein forms V170I, V183I, V199I.
Identifiers: ClinVar variation 1299428 (VCV001299428.1), dbSNP rs2151408188, ClinGen allele CA429239867.